The following is an entry in ClinVar:

ClinVar aggregate classification (germline): Pathogenic. Review status: criteria provided, multiple submitters, no conflicts (2 of 4 stars). 6 submissions from 6 submitters: Pathogenic (4). 2 of the submissions do not count toward it. Last evaluated 2025-04-28.

Conditions:
Polycystic kidney disease, adult type (PKD1). Also called: Polycystic Kidney Disease 1, Autosomal Dominant; Polycystic kidney disease 1; Polycystic kidney disease 1, severe; POLYCYSTIC KIDNEY DISEASE 1 WITH OR WITHOUT POLYCYSTIC LIVER DISEASE; POLYCYSTIC KIDNEY DISEASE, ADULT, TYPE I; Polycystic Kidney, Autosomal Dominant. Identifiers: MedGen C3149841, MONDO:0008263, OMIM 173900.
PKD1-related disorder. Also called: PKD1-related condition.
Polycystic kidney disease. Also called: Kidney, Polycystic; Polycystic kidney dysplasia. Identifiers: MedGen C0022680, MeSH D007690, MONDO:0020642, HP:0000113.

Submissions (6):

GeneDx
Classification: Pathogenic. Last evaluated: 2025-04-28. Review status: criteria provided, single submitter. Criteria: GeneDx Variant Classification Process June 2021. Collection method: clinical testing. Allele origin: germline. Affected: yes.
Comment: Frameshift variant predicted to result in protein truncation or nonsense mediated decay in a gene for which loss-of-function is a known mechanism of disease; Not observed at significant frequency in large population cohorts (gnomAD); Has not been previously published as pathogenic or benign to our knowledge

Fulgent Genetics
Classification: Pathogenic for Polycystic kidney disease, adult type. Last evaluated: 2021-11-17. Review status: criteria provided, single submitter. Criteria: ACMG Guidelines, 2015. Collection method: clinical testing. Allele origin: unknown.

Centre for Mendelian Genomics, University Medical Centre Ljubljana
Classification: Pathogenic for Polycystic kidney disease, adult type. Last evaluated: 2016-01-01. Review status: criteria provided, single submitter. Criteria: ACMG Guidelines, 2015. Collection method: clinical testing. Allele origin: unknown. Affected: yes.
Comment: This variant was classified as: Pathogenic. The following ACMG criteria were applied in classifying this variant: PVS1,PM2,PP2.

Juno Genomics, Hangzhou Juno Genomics, Inc
Classification: Pathogenic for Polycystic kidney disease, adult type. Review status: criteria provided, single submitter. Criteria: ACMG Guidelines, 2015. Collection method: clinical testing. Allele origin: germline. Affected: yes.
Comment: Absent from controls (or at extremely low frequency if recessive) in Genome Aggregation Database, Exome Sequencing Project, 1000 Genomes Project, or Exome Aggregation Consortium.;Null variant in a gene where loss of function (LOF) is a known mechanism of disease.;Patient's phenotype or family history is highly specific for a disease with a single genetic etiology.

PreventionGenetics, part of Exact Sciences
Classification: Pathogenic for PKD1-related condition. Last evaluated: 2024-08-20. Review status: no assertion criteria provided. Collection method: clinical testing. Allele origin: germline. Not counted in ClinVar's aggregate classification.
Comment: The PKD1 c.108delC variant is predicted to result in a frameshift and premature protein termination (p.Cys37Alafs*36). To our knowledge, this variant has not been reported in the literature or a large population database, indicating this variant is rare. Frameshift variants in PKD1 are expected to be pathogenic. This variant is interpreted as pathogenic.

Department of Pathology and Laboratory Medicine, Sinai Health System
Classification: Pathogenic for Polycystic Kidney disease. Review status: no assertion criteria provided. Collection method: clinical testing. Allele origin: unknown. Affected: yes. Study: The Canadian Open Genetics Repository (COGR). Not counted in ClinVar's aggregate classification.
Comment: The PKD1 p.Cys37AlafsX36 variant was not identified in the literature nor was it identified in the dbSNP, ClinVar, LOVD 3.0, ADPKD Mutation Database, PKD1-LOVD, databases. The variant was not identified in the following control databases: the 1000 Genomes Project, the NHLBI GO Exome Sequencing Project, the Exome Aggregation Consortium (August 8th 2016), or the Genome Aggregation Database (Feb 27, 2017). The c.108del variant is predicted to cause a frameshift, which alters the protein amino acid sequence beginning at codon 37 and leads to a premature stop codon 37 codons downstream. This alteration is then predicted to result in a truncated or absent protein and loss of function. Loss of function variants of the PKD1 gene are an established mechanism of disease in ADPKD and is the type of variant expected to cause the disorder. In summary, based on the above information this variant meets our laboratoryâ€šÃ„Ã´s criteria to be classified as pathogenic.

NM_001009944.3(PKD1):c.108del (p.Cys37fs)

Gene: PKD1 (polycystin 1, transient receptor potential channel interacting; minus strand). Cytogenetic location: 16p13.3.
Variant type: Deletion.
Coding change: c.108del on transcript NM_001009944.3 (MANE Select); coding-DNA position 108, one base deleted (C; older notation c.108delC).
Protein change: p.Cys37fs; shifts the reading frame from cysteine 37.
Molecular consequence: frameshift variant.
Genome position (GRCh38, 1-based): chr16:2,135,582, G deleted on the plus strand (C on the coding strand, the reverse complement: PKD1 is on the minus strand); the first of 6 consecutive G bases (chr16:2,135,582-2,135,587); deleting any one gives the same sequence. VCF-style (leftmost placement, unchanged base first): chr16-2135581-AG-A. GRCh37 (hg19) VCF-style: chr16-2185582-AG-A.
Other names: c.108del (NM_001009944.2); c.108del, p.Cys37fs (NM_000296.4); short protein forms C37fs.
Identifiers: ClinVar variation 931037 (VCV000931037.8), dbSNP rs2092941062, ClinGen allele CA1139664415.